The following is an entry in ClinVar:

NM_000081.4(LYST):c.1342G>A (p.Ala448Thr)

Gene: LYST (lysosomal trafficking regulator; minus strand). Cytogenetic location: 1q42.3.
Variant type: single nucleotide variant.
Coding change: c.1342G>A on transcript NM_000081.4 (MANE Select); coding-DNA position 1342, G replaced by A.
Protein change: p.Ala448Thr; replaces alanine 448 with threonine.
Molecular consequence: missense variant.
Genome position (GRCh38, 1-based): chr1:235,809,476, C>T on the plus strand (G>A on the coding strand, the complement: LYST is on the minus strand). VCF-style: chr1-235809476-C-T. GRCh37 (hg19) VCF-style: chr1-235972776-C-T.
Other names: c.1342G>A, p.Ala448Thr (NM_001301365.1); short protein forms A448T.
Identifiers: ClinVar variation 1355087 (VCV001355087.5), dbSNP rs756044889, ClinGen allele CA1467484.

ClinVar aggregate classification (germline): Uncertain significance (1 of 4 stars; one submission).

Conditions:
Chédiak-Higashi syndrome (CHS). Also called: Chediak-Higashi Syndrome. Identifiers: Orphanet 167, MedGen C0007965, MONDO:0008963, OMIM 214500.

Allele frequency attached by ClinVar (database versions not stated): gnomAD exomes 0.00001; ExAC 0.00002; TOPMed 0.00003; gnomAD 0.00005.
gnomAD v4.1: 26 of 1,613,774 alleles (0.0016%); highest among the groups gnomAD compares: African/African-American, 0.019%; no homozygotes.

Submission:

Labcorp Genetics (formerly Invitae), Labcorp
Classification: Uncertain significance for Chédiak-Higashi syndrome. Last evaluated: 2025-07-30. Review status: criteria provided, single submitter. Criteria: Invitae Variant Classification Sherloc (09022015). Collection method: clinical testing. Allele origin: germline.
Comment: This sequence change replaces alanine, which is neutral and non-polar, with threonine, which is neutral and polar, at codon 448 of the LYST protein (p.Ala448Thr). This variant is present in population databases (rs756044889, gnomAD 0.02%). This variant has not been reported in the literature in individuals affected with LYST-related conditions. ClinVar contains an entry for this variant (Variation ID: 1355087). Invitae Evidence Modeling of protein sequence and biophysical properties (such as structural, functional, and spatial information, amino acid conservation, physicochemical variation, residue mobility, and thermodynamic stability) indicates that this missense variant is not expected to disrupt LYST protein function with a negative predictive value of 80%. In summary, the available evidence is currently insufficient to determine the role of this variant in disease. Therefore, it has been classified as a Variant of Uncertain Significance.